The following is an entry in ClinVar:

NM_000143.4(FH):c.738G>A (p.Gln246=)

Gene: FH (fumarate hydratase; minus strand). Cytogenetic location: 1q43.
Variant type: single nucleotide variant.
Coding change: c.738G>A on transcript NM_000143.4 (MANE Select); coding-DNA position 738, G replaced by A.
Protein change: p.Gln246=; no amino-acid change (glutamine 246 retained).
Molecular consequence: synonymous variant.
Genome position (GRCh38, 1-based): chr1:241,508,603, C>T on the plus strand (G>A on the coding strand, the complement: FH is on the minus strand). VCF-style: chr1-241508603-C-T. GRCh37 (hg19) VCF-style: chr1-241671903-C-T.
Identifiers: ClinVar variation 1758652 (VCV001758652.9), dbSNP rs2147919372, ClinGen allele CA424076009.
Genomic context (GRCh38, chr1:241,508,603, plus strand): 5'-TGACACATTGGCCATTTGTACCAAGCTCTAAATTGAATCAAATTAGTCAAACTCCTATAC[C>T]TGCCCAAGAGTAAGTGGAACAGCATCCTGAGTATGAGTACGTCCAATCTTGATGATCTGT-3'
Protein context (NP_000134.2, residues 236-256): TQDAVPLTLG[Gln246=]EFSGYVQQVK

ClinVar aggregate classification (germline): Conflicting classifications of pathogenicity. Review status: criteria provided, conflicting classifications (1 of 4 stars). 2 submissions from 2 submitters: Pathogenic (1); Uncertain significance (1). Last evaluated 2025-10-14.

Conditions:
Hereditary cancer-predisposing syndrome. Also called: Neoplastic Syndromes, Hereditary; Tumor predisposition; Hereditary Cancer Syndrome; Hereditary neoplastic syndrome. Identifiers: Orphanet 140162, MedGen C0027672, MeSH D009386, MONDO:0015356.

Submissions (2):

Ambry Genetics
Classification: Pathogenic for Hereditary cancer-predisposing syndrome. Last evaluated: 2025-10-14. Review status: criteria provided, single submitter. Criteria: Ambry Variant Classification Scheme 2023. Collection method: clinical testing. Allele origin: germline.
Comment: The c.738G>A variant (also known as p.Q246Q), located in coding exon 5 of the FH gene, results from a G to A substitution at nucleotide position 738. This nucleotide substitution does not change the glutamine at codon 246. However, this change occurs in the last base pair of coding exon 5, which makes it likely to have some effect on normal mRNA splicing. RNA studies have demonstrated that this alteration results in abnormal splicing in the set of samples tested (Ambry internal data). This alteration has been observed in at least one individual with a personal and/or family history that is consistent with FH-related disease (Ambry internal data). Another alteration impacting the same splice donor site (c.738G>C) has also been detected in individuals with HLRCC (Ambry internal data; Muller M et al. Clin Genet, 2017 Dec;92:606-615). This nucleotide position is highly conserved in available vertebrate species. In silico splice site analysis predicts that this alteration will weaken the native splice donor site and will result in the creation or strengthening of a novel splice donor site. Based on the supporting evidence, this alteration is interpreted as a disease-causing mutation.

Labcorp Genetics (formerly Invitae), Labcorp
Classification: Uncertain significance. Last evaluated: 2022-09-19. Review status: criteria provided, single submitter. Criteria: Invitae Variant Classification Sherloc (09022015). Collection method: clinical testing. Allele origin: germline.
Comment: This sequence change affects codon 246 of the FH mRNA. It is a 'silent' change, meaning that it does not change the encoded amino acid sequence of the FH protein. This variant also falls at the last nucleotide of exon 5, which is part of the consensus splice site for this exon. This variant is not present in population databases (gnomAD no frequency). This variant has been observed in individual(s) with clinical features of FH-related conditions (Invitae). Variants that disrupt the consensus splice site are a relatively common cause of aberrant splicing (PMID: 17576681, 9536098). Algorithms developed to predict the effect of sequence changes on RNA splicing suggest that this variant may disrupt the consensus splice site. In summary, the available evidence is currently insufficient to determine the role of this variant in disease. Therefore, it has been classified as a Variant of Uncertain Significance.

Literature cited by the submitters: PubMed 26173633 (cited by Ambry Genetics); PubMed 28300276 (cited by Ambry Genetics); PubMed 17576681 (cited by Labcorp Genetics (formerly Invitae), Labcorp); PubMed 9536098 (cited by Labcorp Genetics (formerly Invitae), Labcorp).